The following is an entry in ClinVar:

NM_001349884.2(DRAM2):c.3G>A (p.Met1Ile)

Gene: DRAM2 (DNA damage regulated autophagy modulator 2; minus strand). Cytogenetic location: 1p13.3.
Variant type: single nucleotide variant.
Coding change: c.3G>A on transcript NM_001349884.2 (MANE Select); coding-DNA position 3, G replaced by A.
Protein change: p.Met1Ile; changes the start codon (methionine 1).
Molecular consequence: missense variant, initiator codon variant. On other transcripts: 5 prime UTR variant (8), non-coding transcript variant (8).
Genome position (GRCh38, 1-based): chr1:111,131,552, C>T on the plus strand (G>A on the coding strand, the complement: DRAM2 is on the minus strand). VCF-style: chr1-111131552-C-T. GRCh37 (hg19) VCF-style: chr1-111674174-C-T.
Other names: c.-248G>A (NM_001349889.2, NM_001349890.2, NM_001349892.2 and 1 more transcripts); c.-416G>A (NM_001349891.2); c.3G>A, p.Met1Ile (NM_178454.6, NM_001349881.2, NM_001349882.2 and 1 more transcripts); c.-156G>A (NM_001349886.2, NM_001349887.2, NM_001349888.2); short protein forms M1I.
Identifiers: ClinVar variation 1367200 (VCV001367200.6), dbSNP rs1337698225, ClinGen allele CA341819880.
Genomic context (GRCh38, chr1:111,131,552, plus strand): 5'-AGCAGATGTCCAAATTACAAGGGCTGAAGGAAGGAAACTGAGGCCTTGCTGAAACCACCA[C>T]ATTTCTAACAGGTTTTCTGAAATAGAGAAAACATATTAGAAAAGATAATTCACAAGAGTT-3'
Protein context (NP_001336813.1, residues 1-11): [Met1Ile]WWFQQGLSFL

ClinVar aggregate classification (germline): Pathogenic (1 of 4 stars; one submission).

Allele frequency attached by ClinVar (database versions not stated): gnomAD 0.00001; gnomAD exomes 0.00001; TOPMed 0.00002.

Submission:

Labcorp Genetics (formerly Invitae), Labcorp
Classification: Pathogenic. Last evaluated: 2023-06-15. Review status: criteria provided, single submitter. Criteria: Invitae Variant Classification Sherloc (09022015). Collection method: clinical testing. Allele origin: germline.
Comment: This sequence change affects the initiator methionine of the DRAM2 mRNA. The next in-frame methionine is located at codon 59. This variant is present in population databases (no rsID available, gnomAD 0.002%). Disruption of the initiator codon has been observed in individual(s) with clinical features of cone-rod dystrophy (PMID: 29555955, 35806404). In at least one individual the data is consistent with being in trans (on the opposite chromosome) from a pathogenic variant. ClinVar contains an entry for this variant (Variation ID: 1367200). This variant disrupts a region of the DRAM2 protein in which other variant(s) (p.Asp45Asn) have been observed in individuals with DRAM2-related conditions (Invitae). This suggests that this is a clinically significant region of the protein, and that variants that disrupt it are likely to be disease-causing. For these reasons, this variant has been classified as Pathogenic.

Literature cited by the submitters: PubMed 29555955; PubMed 35806404.